The following is an entry in ClinVar:

NM_004863.4(SPTLC2):c.723G>T (p.Thr241=)

Gene: SPTLC2 (serine palmitoyltransferase long chain base subunit 2; minus strand). Cytogenetic location: 14q24.3.
Variant type: single nucleotide variant.
Coding change: c.723G>T on transcript NM_004863.4 (MANE Select); coding-DNA position 723, G replaced by T.
Protein change: p.Thr241=; no amino-acid change (threonine 241 retained).
Molecular consequence: synonymous variant.
Genome position (GRCh38, 1-based): chr14:77,570,417, C>A on the plus strand (G>T on the coding strand, the complement: SPTLC2 is on the minus strand). VCF-style: chr14-77570417-C-A. GRCh37 (hg19) VCF-style: chr14-78036760-C-A.
Other names: p.Thr241=.
Identifiers: ClinVar variation 314675 (VCV000314675.27), dbSNP rs114519796, ClinGen allele CA7289392.

ClinVar aggregate classification (germline): Benign/Likely benign. Review status: criteria provided, multiple submitters, no conflicts (2 of 4 stars). 7 submissions from 7 submitters: Benign (6); Likely benign (1). Last evaluated 2026-02-04.

Conditions:
Neuropathy, hereditary sensory and autonomic, type 1C. Also called: HSAN IC; HSN IC. Identifiers: Orphanet 36386, MedGen C3150896, MONDO:0013337, OMIM 613640.

Allele frequency attached by ClinVar (database versions not stated): TOPMed 0.01520; 1000 Genomes Project 0.01558; ESP Exome Variant Server 0.01592; 1000 Genomes Project 30x 0.01671.
gnomAD v4.1: 4,198 of 1,613,606 alleles (0.26%); highest among the groups gnomAD compares: African/African-American, 4.9%; 113 homozygotes.

Submissions (7):

Labcorp Genetics (formerly Invitae), Labcorp
Classification: Benign for Neuropathy, hereditary sensory and autonomic, type 1C. Last evaluated: 2026-02-04. Review status: criteria provided, single submitter. Criteria: Invitae Variant Classification Sherloc (09022015). Collection method: clinical testing. Allele origin: germline.

ARUP Laboratories, Molecular Genetics and Genomics, ARUP Laboratories
Classification: Benign for Neuropathy, hereditary sensory and autonomic, type 1C. Last evaluated: 2023-09-21. Review status: criteria provided, single submitter. Criteria: ARUP Molecular Germline Variant Investigation Process 2024. Collection method: clinical testing. Allele origin: germline.

Fulgent Genetics
Classification: Likely benign for Neuropathy, hereditary sensory and autonomic, type 1C. Last evaluated: 2021-10-08. Review status: criteria provided, single submitter. Criteria: ACMG Guidelines, 2015. Collection method: clinical testing. Allele origin: unknown.

Illumina Laboratory Services, Illumina
Classification: Benign for Neuropathy, hereditary sensory and autonomic, type 1C. Last evaluated: 2018-01-12. Review status: criteria provided, single submitter. Criteria: ICSL Variant Classification Criteria 13 December 2019. Collection method: clinical testing. Allele origin: germline.
Comment: This variant was observed in the ICSL laboratory as part of a predisposition screen in an ostensibly healthy population. It had not been previously curated by ICSL or reported in the Human Gene Mutation Database (HGMD: prior to June 1st, 2018), and was therefore a candidate for classification through an automated scoring system. Utilizing variant allele frequency, disease prevalence and penetrance estimates, and inheritance mode, an automated score was calculated to assess if this variant is too frequent to cause the disease. Based on the score and internal cut-off values, a variant classified as benign is not then subjected to further curation. The score for this variant resulted in a classification of benign for this disease.

Mayo Clinic Laboratories, Mayo Clinic
Classification: Benign. Last evaluated: 2016-03-07. Review status: criteria provided, single submitter. Criteria: ACMG Guidelines, 2015. Collection method: clinical testing. Allele origin: germline. Observed: 4 variant alleles.

GeneDx
Classification: Benign. Last evaluated: 2015-03-03. Review status: criteria provided, single submitter. Criteria: GeneDx Variant Classification Process June 2021. Collection method: clinical testing. Allele origin: germline. Affected: yes.

Breakthrough Genomics
Classification: Benign. Review status: criteria provided, single submitter. Criteria: ACMG Guidelines, 2015. Collection method: not provided. Allele origin: germline. Inheritance: Autosomal dominant inheritance. Affected: yes.